The following is an entry in ClinVar:

NM_021020.5(LZTS1):c.1268G>A (p.Arg423Gln)

Gene: LZTS1 (leucine zipper tumor suppressor 1; minus strand). Cytogenetic location: 8p21.3.
Variant type: single nucleotide variant.
Coding change: c.1268G>A on transcript NM_021020.5 (MANE Select); coding-DNA position 1268, G replaced by A.
Protein change: p.Arg423Gln; replaces arginine 423 with glutamine.
Molecular consequence: missense variant.
Genome position (GRCh38, 1-based): chr8:20,250,245, C>T on the plus strand (G>A on the coding strand, the complement: LZTS1 is on the minus strand). VCF-style: chr8-20250245-C-T. GRCh37 (hg19) VCF-style: chr8-20107756-C-T.
Other names: c.1268G>A (NM_021020.2); c.1268G>A, p.Arg423Gln (NM_001362884.2); short protein forms R423Q.
Identifiers: ClinVar variation 3621767 (VCV003621767.3).

ClinVar aggregate classification (germline): Uncertain significance. Review status: criteria provided, multiple submitters, no conflicts (2 of 4 stars). 2 submissions from 2 submitters: Uncertain significance (2). Last evaluated 2025-10-18.

gnomAD v4.1: 23 of 1,613,522 alleles (0.0014%); highest among the groups gnomAD compares: East Asian, 0.0067%; no homozygotes.

Submissions (2):

Ambry Genetics
Classification: Uncertain significance. Last evaluated: 2025-10-18. Review status: criteria provided, single submitter. Criteria: Ambry Variant Classification Scheme 2023. Collection method: clinical testing. Allele origin: germline.

Labcorp Genetics (formerly Invitae), Labcorp
Classification: Uncertain significance. Last evaluated: 2024-07-17. Review status: criteria provided, single submitter. Criteria: Invitae Variant Classification Sherloc (09022015). Collection method: clinical testing. Allele origin: germline.
Comment: This sequence change replaces arginine, which is basic and polar, with glutamine, which is neutral and polar, at codon 423 of the LZTS1 protein (p.Arg423Gln). The frequency data for this variant in the population databases is considered unreliable, as metrics indicate poor data quality at this position in the gnomAD database. This variant has not been reported in the literature in individuals affected with LZTS1-related conditions. Advanced modeling of protein sequence and biophysical properties (such as structural, functional, and spatial information, amino acid conservation, physicochemical variation, residue mobility, and thermodynamic stability) performed at Invitae indicates that this missense variant is not expected to disrupt LZTS1 protein function with a negative predictive value of 80%. In summary, the available evidence is currently insufficient to determine the role of this variant in disease. Therefore, it has been classified as a Variant of Uncertain Significance.